The following is an entry in ClinVar:

ClinVar aggregate classification (germline): Uncertain significance (1 of 4 stars; one submission).

gnomAD v4.1: 19 of 1,613,300 alleles (0.0012%); highest among the groups gnomAD compares: Non-Finnish European, 0.0016%; no homozygotes.

Submission:

Labcorp Genetics (formerly Invitae), Labcorp
Classification: Uncertain significance. Last evaluated: 2025-09-06. Review status: criteria provided, single submitter. Criteria: Invitae Variant Classification Sherloc (09022015). Collection method: clinical testing. Allele origin: germline.
Comment: This sequence change creates a premature translational stop signal (p.Arg4278*) in the HMCN1 gene. It is expected to result in an absent or disrupted protein product. However, the current clinical and genetic evidence is not sufficient to establish whether loss-of-function variants in HMCN1 cause disease. This variant is present in population databases (rs769844693, gnomAD 0.004%). This variant has not been reported in the literature in individuals affected with HMCN1-related conditions. In summary, the available evidence is currently insufficient to determine the role of this variant in disease. Therefore, it has been classified as a Variant of Uncertain Significance.

NM_031935.3(HMCN1):c.12832C>T (p.Arg4278Ter)

Gene: HMCN1 (hemicentin 1; plus strand). Cytogenetic location: 1q31.1.
Variant type: single nucleotide variant.
Coding change: c.12832C>T on transcript NM_031935.3 (MANE Select); coding-DNA position 12832, C replaced by T.
Protein change: p.Arg4278Ter; replaces arginine 4278 with a stop codon.
Molecular consequence: nonsense.
Genome position (GRCh38, 1-based): chr1:186,128,219, C>T. VCF-style: chr1-186128219-C-T. GRCh37 (hg19) VCF-style: chr1-186097351-C-T.
Other names: short protein forms R4278*.
Identifiers: ClinVar variation 4766494 (VCV004766494.1).
Genomic context (GRCh38, chr1:186,128,219, plus strand): 5'-GTTCTCCCCACTTTTACTGAACTTCCTGGAGACGTGTCATTAAATAAAGGAGAACAGCTA[C>T]GATTAAGCTGTAAAGCTACTGGTATTCCATTGCCCAAATTAACATGGACCTTCAATAACA-3'